The following is an entry in ClinVar:

ClinVar aggregate classification (germline): Pathogenic (1 of 4 stars; one submission).

Submission:

Labcorp Genetics (formerly Invitae), Labcorp
Classification: Pathogenic. Last evaluated: 2020-01-06. Review status: criteria provided, single submitter. Criteria: Invitae Variant Classification Sherloc (09022015). Collection method: clinical testing. Allele origin: germline.
Comment: For these reasons, this variant has been classified as Pathogenic. Loss-of-function variants in CERKL are known to be pathogenic (PMID: 14681825, 24043777). This variant has not been reported in the literature in individuals with CERKL-related conditions. This variant is not present in population databases (ExAC no frequency). This sequence change creates a premature translational stop signal (p.Gln176Lysfs*19) in the CERKL gene. It is expected to result in an absent or disrupted protein product.

Literature cited by the submitters: PubMed 14681825; PubMed 24043777.

NM_201548.5(CERKL):c.526del (p.Gln176fs)

Gene: CERKL (CERK like autophagy regulator; minus strand). Cytogenetic location: 2q31.3.
Variant type: Deletion.
Coding change: c.526del on transcript NM_201548.5 (MANE Select); coding-DNA position 526, one base deleted (C; older notation c.526delC).
Protein change: p.Gln176fs; shifts the reading frame from glutamine 176.
Molecular consequence: frameshift variant. On other transcripts: non-coding transcript variant (1), intron variant (2).
Genome position (GRCh38, 1-based): chr2:181,573,840, G deleted on the plus strand (C on the coding strand, the reverse complement: CERKL is on the minus strand); the first of 5 consecutive G bases (chr2:181,573,840-181,573,844); deleting any one gives the same sequence. VCF-style (leftmost placement, unchanged base first): chr2-181573839-TG-T. GRCh37 (hg19) VCF-style: chr2-182438566-TG-T.
Other names: c.526del, p.Gln176fs (NM_001030311.3, NM_001030313.3); c.482-24132del (NM_001030312.3); c.482-7719del (NM_001160277.2); short protein forms Q176fs.
Identifiers: ClinVar variation 1069077 (VCV001069077.7), dbSNP rs2105846669, ClinGen allele CA2499215515.